The following is an entry in ClinVar:

NM_000548.5(TSC2):c.3171C>G (p.Thr1057=)

Gene: TSC2 (TSC complex subunit 2; plus strand). Cytogenetic location: 16p13.3.
Variant type: single nucleotide variant.
Coding change: c.3171C>G on transcript NM_000548.5 (MANE Select); coding-DNA position 3171, C replaced by G.
Protein change: p.Thr1057=; no amino-acid change (threonine 1057 retained).
Molecular consequence: synonymous variant.
Genome position (GRCh38, 1-based): chr16:2,079,315, C>G. VCF-style: chr16-2079315-C-G. GRCh37 (hg19) VCF-style: chr16-2129316-C-G.
Other names: c.3039C>G, p.Thr1013= (NM_001077183.3, NM_001370404.1); c.3171C>G, p.Thr1057= (NM_001114382.3); c.2931C>G, p.Thr977= (NM_001318827.2); c.2895C>G, p.Thr965= (NM_001318829.2); c.2439C>G, p.Thr813= (NM_001318831.2); c.3072C>G, p.Thr1024= (NM_001318832.2); c.3042C>G, p.Thr1014= (NM_001363528.2, NM_001370405.1, NM_021055.3).
Identifiers: ClinVar variation 706824 (VCV000706824.19), dbSNP rs1487006409, ClinGen allele CA493042854.
Genomic context (GRCh38, chr16:2,079,315, plus strand): 5'-TTCACGCTCCCTGTCTTCTAGGTCTCCTGTGGGCGAGTTCCTCCTAGCGGGTGGCAGGAC[C>G]AAAACCTGGCTGGTTGGGAACAAGCTTGTCACTGTGACGACAAGCGTGGGAACCGGGACC-3'
Protein context (NP_000539.2, residues 1047-1067): VGEFLLAGGR[Thr1057=]KTWLVGNKLV

ClinVar aggregate classification (germline): Benign/Likely benign. Review status: criteria provided, multiple submitters, no conflicts (2 of 4 stars). 5 submissions from 5 submitters: Benign (2); Likely benign (3). Last evaluated 2026-01-20.

Conditions:
Tuberous sclerosis 2 (TSC2). Identifiers: Orphanet 805, MedGen C1860707, MONDO:0013199, OMIM 613254.
Hereditary cancer-predisposing syndrome. Also called: Tumor predisposition; Neoplastic Syndromes, Hereditary; Hereditary neoplastic syndrome; Hereditary Cancer Syndrome. Identifiers: Orphanet 140162, MedGen C0027672, MeSH D009386, MONDO:0015356.

Allele frequency attached by ClinVar (database versions not stated): gnomAD exomes below 0.00001 and 0.00001; TOPMed below 0.00001; gnomAD 0.00001.
gnomAD v4.1: 9 of 1,612,960 alleles (0.00056%); highest among the groups gnomAD compares: Non-Finnish European, 0.00068%; no homozygotes.

Submissions (5):

Labcorp Genetics (formerly Invitae), Labcorp
Classification: Likely benign for Tuberous sclerosis 2. Last evaluated: 2026-01-20. Review status: criteria provided, single submitter. Criteria: Invitae Variant Classification Sherloc (09022015). Collection method: clinical testing. Allele origin: germline.

Myriad Genetics, Inc.
Classification: Benign for Tuberous sclerosis 2. Last evaluated: 2025-05-28. Review status: criteria provided, single submitter. Criteria: Myriad Autosomal Dominant, Autosomal Recessive and X-Linked Classification Criteria (2023). Collection method: clinical testing. Allele origin: unknown.
Comment: This variant is considered benign. This variant is a silent/synonymous amino acid change and it is not expected to impact splicing.

Blueprint Genetics
Classification: Likely benign. Last evaluated: 2024-09-19. Review status: criteria provided, single submitter. Criteria: ACMG Guidelines, 2015. Collection method: clinical testing. Allele origin: germline.

Genome-Nilou Lab
Classification: Benign for Tuberous sclerosis 2. Last evaluated: 2021-11-07. Review status: criteria provided, single submitter. Criteria: ACMG Guidelines, 2015. Collection method: clinical testing. Allele origin: germline. Affected: no.

Ambry Genetics
Classification: Likely benign for Hereditary cancer-predisposing syndrome. Last evaluated: 2018-01-22. Review status: criteria provided, single submitter. Criteria: Ambry Variant Classification Scheme 2023. Collection method: clinical testing. Allele origin: germline.